The following is an entry in ClinVar:

ClinVar aggregate classification (germline): Uncertain significance. Review status: criteria provided, multiple submitters, no conflicts (2 of 4 stars). 3 submissions from 3 submitters: Uncertain significance (3). Last evaluated 2025-03-30.

Conditions:
Inborn genetic diseases. Identifiers: MedGen C0950123, MeSH D030342.
Hennekam lymphangiectasia-lymphedema syndrome 2 (HKLLS2). Identifiers: Orphanet 2136, MedGen C4014939, MONDO:0014454, OMIM 616006.

Allele frequency attached by ClinVar (database versions not stated): gnomAD 0.00001.
gnomAD v4.1: 13 of 1,614,050 alleles (0.00081%); highest among the groups gnomAD compares: East Asian, 0.018%; no homozygotes.

Submissions (3):

Ambry Genetics
Classification: Uncertain significance for Inborn genetic diseases. Last evaluated: 2025-03-30. Review status: criteria provided, single submitter. Criteria: Ambry Variant Classification Scheme 2023. Collection method: clinical testing. Allele origin: germline.

Clinical Genomics Laboratory, Washington University in St. Louis
Classification: Uncertain significance for Hennekam lymphangiectasia-lymphedema syndrome 2. Last evaluated: 2023-09-28. Review status: criteria provided, single submitter. Criteria: ACMG Guidelines, 2015. Collection method: clinical testing. Allele origin: germline.
Comment: The FAT4 c.11134G>T (p.Asp3712Tyr) variant, to our knowledge, has not been reported in the medical literature. This variant has been classified in the ClinVar database as a variant of uncertain significance (ClinVar ID: 1467504) by a single submitter. FAT4 c.11134G>T (p.Asp3712Tyr) is only observed on 1/152174 alleles in the general population (gnomAD v.3.1.2), indicating it is not a common variant. Computational predictors are uncertain as to the impact of this variant on FAT4 function. Due to limited information, and based on ACMG/AMP guidelines for variant interpretation (Richards S et al., PMID: 25741868), this variant is classified as being uncertain significance at this time.

Labcorp Genetics (formerly Invitae), Labcorp
Classification: Uncertain significance. Last evaluated: 2022-03-19. Review status: criteria provided, single submitter. Criteria: Invitae Variant Classification Sherloc (09022015). Collection method: clinical testing. Allele origin: germline.
Comment: This sequence change replaces aspartic acid, which is acidic and polar, with tyrosine, which is neutral and polar, at codon 3710 of the FAT4 protein (p.Asp3710Tyr). This variant is present in population databases (no rsID available, gnomAD 0.01%). This variant has not been reported in the literature in individuals affected with FAT4-related conditions. Advanced modeling of protein sequence and biophysical properties (such as structural, functional, and spatial information, amino acid conservation, physicochemical variation, residue mobility, and thermodynamic stability) performed at Invitae indicates that this missense variant is not expected to disrupt FAT4 protein function. In summary, the available evidence is currently insufficient to determine the role of this variant in disease. Therefore, it has been classified as a Variant of Uncertain Significance.

NM_001291303.3(FAT4):c.11134G>T (p.Asp3712Tyr)

Gene: FAT4 (FAT atypical cadherin 4; plus strand). Cytogenetic location: 4q28.1.
Variant type: single nucleotide variant.
Coding change: c.11134G>T on transcript NM_001291303.3 (MANE Select); coding-DNA position 11134, G replaced by T.
Protein change: p.Asp3712Tyr; replaces aspartic acid 3712 with tyrosine.
Molecular consequence: missense variant.
Genome position (GRCh38, 1-based): chr4:125,452,144, G>T. VCF-style: chr4-125452144-G-T. GRCh37 (hg19) VCF-style: chr4-126373299-G-T.
Other names: c.11134G>T, p.Asp3712Tyr (NM_001291285.3); c.11128G>T, p.Asp3710Tyr (NM_024582.6); c.11128G>T (NM_024582.4); short protein forms D3712Y, D3710Y.
Identifiers: ClinVar variation 1467504 (VCV001467504.5), dbSNP rs769490380, ClinGen allele CA358161242.
Genomic context (GRCh38, chr4:125,452,144, plus strand): 5'-CACAGCACAGTCACGAGCAACATCCGAGTTTTCTTTGCTGGATTTTCCAATGCCACAGTG[G>T]ATAACAGCATCTTACTTCGTCTCGGCGTACCAACAGTAAAGGACTTCTTGACCAACCACT-3'
Protein context (NP_001278232.1, residues 3702-3722): FFAGFSNATV[Asp3712Tyr]NSILLRLGVP